The following is an entry in ClinVar:

NM_199420.4(POLQ):c.4522C>G (p.Gln1508Glu)

Gene: POLQ (DNA polymerase theta; minus strand). Cytogenetic location: 3q13.33.
Variant type: single nucleotide variant.
Coding change: c.4522C>G on transcript NM_199420.4 (MANE Select); coding-DNA position 4522, C replaced by G.
Protein change: p.Gln1508Glu; replaces glutamine 1508 with glutamic acid.
Molecular consequence: missense variant.
Genome position (GRCh38, 1-based): chr3:121,488,409, G>C on the plus strand (C>G on the coding strand, the complement: POLQ is on the minus strand). VCF-style: chr3-121488409-G-C. GRCh37 (hg19) VCF-style: chr3-121207256-G-C.
Other names: short protein forms Q1508E.
Identifiers: ClinVar variation 1741222 (VCV001741222.2), dbSNP rs142644047, ClinGen allele CA2562880.

ClinVar aggregate classification (germline): Uncertain significance (1 of 4 stars; one submission).

Allele frequency attached by ClinVar (database versions not stated): gnomAD exomes below 0.00001; ExAC 0.00002; gnomAD 0.00003; TOPMed 0.00004; ESP Exome Variant Server 0.00008; 1000 Genomes Project 30x 0.00016; 1000 Genomes Project 0.00020.
gnomAD v4.1: 7 of 1,612,486 alleles (0.00043%); highest among the groups gnomAD compares: African/African-American, 0.008%; no homozygotes.

Submission:

Ambry Genetics
Classification: Uncertain significance. Last evaluated: 2024-02-02. Review status: criteria provided, single submitter. Criteria: Ambry Variant Classification Scheme 2023. Collection method: clinical testing. Allele origin: germline.
Comment: The p.Q1508E variant (also known as c.4522C>G), located in coding exon 16 of the POLQ gene, results from a C to G substitution at nucleotide position 4522. The glutamine at codon 1508 is replaced by glutamic acid, an amino acid with highly similar properties. This amino acid position is conserved. In addition, this alteration is predicted to be tolerated by in silico analysis. Since supporting evidence is limited at this time, the clinical significance of this alteration remains unclear.